The following is an entry in ClinVar:

ClinVar aggregate classification (germline): Uncertain significance (1 of 4 stars; one submission).

gnomAD v4.1: 1 of 1,607,494 alleles (0.000062%); highest among the groups gnomAD compares: Non-Finnish European, 0.000085%; no homozygotes.

Submission:

Labcorp Genetics (formerly Invitae), Labcorp
Classification: Uncertain significance. Last evaluated: 2025-02-27. Review status: criteria provided, single submitter. Criteria: Invitae Variant Classification Sherloc (09022015). Collection method: clinical testing. Allele origin: germline.
Comment: This sequence change replaces glycine, which is neutral and non-polar, with serine, which is neutral and polar, at codon 594 of the SLC26A1 protein (p.Gly594Ser). This variant is not present in population databases (gnomAD no frequency). This variant has not been reported in the literature in individuals affected with SLC26A1-related conditions. An algorithm developed to predict the effect of missense changes on protein structure and function (PolyPhen-2) suggests that this variant is likely to be tolerated. In summary, the available evidence is currently insufficient to determine the role of this variant in disease. Therefore, it has been classified as a Variant of Uncertain Significance.

NM_022042.4(SLC26A1):c.1780G>A (p.Gly594Ser)

Genes: IDUA (alpha-L-iduronidase; plus strand), SLC26A1 (solute carrier family 26 member 1; minus strand). Cytogenetic location: 4p16.3.
Variant type: single nucleotide variant.
Coding change: c.1780G>A on transcript NM_022042.4 (MANE Select); coding-DNA position 1780, G replaced by A.
Protein change: p.Gly594Ser; replaces glycine 594 with serine.
Molecular consequence: missense variant. On other transcripts: intron variant (2).
Genome position (GRCh38, 1-based): chr4:989,159, C>T on the plus strand (G>A on the coding strand, the complement: SLC26A1 is on the minus strand). VCF-style: chr4-989159-C-T. GRCh37 (hg19) VCF-style: chr4-982947-C-T.
Other names: c.1780G>A, p.Gly594Ser (NM_213613.4); c.576+1969G>A (NM_134425.4); c.299+1210C>T (NM_000203.5); short protein forms G594S.
Identifiers: ClinVar variation 4713993 (VCV004713993.1).
Genomic context (GRCh38, chr4:989,159, plus strand): 5'-TGACCACTGTGTGGAAGCCGGCCGCTGCGGGCACCAGCGCAGCCCTGGTGCTAACCGGGC[C>T]CAGGTCCTCGCCCTGGGCAGGGCCTCCCTCACCGACCCCCGTCTCTGAGCCCCCCTCCTT-3'
Protein context (NP_071325.2, residues 584-604): EGGPAQGEDL[Gly594Ser]PVSTRAALVP